The following is an entry in ClinVar:

ClinVar aggregate classification (germline): Uncertain significance. Review status: criteria provided, multiple submitters, no conflicts (2 of 4 stars). 4 submissions from 4 submitters: Uncertain significance (3). 1 of the submissions does not count toward it. Last evaluated 2026-08-25.

Conditions:
CDH23-related disorder. Also called: CDH23-related disorders; CDH23-related condition.
Usher syndrome type 1 (USH1). Also called: RETINITIS PIGMENTOSA AND CONGENITAL DEAFNESS. Identifiers: Orphanet 231169, Orphanet 886, MedGen C1568247, MONDO:0010168, OMIM 276900.

Allele frequency attached by ClinVar (database versions not stated): ExAC 0.00004; gnomAD 0.00004; gnomAD exomes 0.00004; TOPMed 0.00004.
gnomAD v4.1: 58 of 1,613,818 alleles (0.0036%); highest among the groups gnomAD compares: South Asian, 0.018%; no homozygotes.

Submissions (4):

PreventionGenetics, part of Exact Sciences
Classification: Uncertain significance for CDH23-related condition. Last evaluated: 2026-08-25. Review status: criteria provided, single submitter. Criteria: ACMG Guidelines, 2015. Collection method: clinical testing. Allele origin: germline.
Comment: The CDH23 c.4267G>A variant is predicted to result in the amino acid substitution p.Asp1423Asn. This variant was reported in an individual with deafness (Schultz et al. 2011. PubMed ID: 21940737). This variant is reported in 0.013% of alleles in individuals of South Asian descent in gnomAD. At this time, the clinical significance of this variant is uncertain due to the absence of conclusive functional and genetic evidence.

Labcorp Genetics (formerly Invitae), Labcorp
Classification: Uncertain significance. Last evaluated: 2025-07-07. Review status: criteria provided, single submitter. Criteria: Invitae Variant Classification Sherloc (09022015). Collection method: clinical testing. Allele origin: germline.
Comment: This sequence change replaces aspartic acid, which is acidic and polar, with asparagine, which is neutral and polar, at codon 1423 of the CDH23 protein (p.Asp1423Asn). This variant is present in population databases (rs779009042, gnomAD 0.01%). This missense change has been observed in individual(s) with nonsyndromic hearing loss (PMID: 21940737). ClinVar contains an entry for this variant (Variation ID: 972501). Invitae Evidence Modeling of protein sequence and biophysical properties (such as structural, functional, and spatial information, amino acid conservation, physicochemical variation, residue mobility, and thermodynamic stability) has been performed for this missense variant. However, the output from this modeling did not meet the statistical confidence thresholds required to predict the impact of this variant on CDH23 protein function. In summary, the available evidence is currently insufficient to determine the role of this variant in disease. Therefore, it has been classified as a Variant of Uncertain Significance.

Blueprint Genetics
Classification: Uncertain significance. Last evaluated: 2024-03-25. Review status: criteria provided, single submitter. Criteria: ACMG Guidelines, 2015. Collection method: clinical testing. Allele origin: germline.

Natera, Inc.
Classification: Uncertain significance for Usher syndrome type 1. Last evaluated: 2020-11-21. Review status: no assertion criteria provided. Collection method: clinical testing. Allele origin: germline. Not counted in ClinVar's aggregate classification.

Literature cited by the submitters: PubMed 21940737 (cited by Labcorp Genetics (formerly Invitae), Labcorp).

NM_022124.6(CDH23):c.4267G>A (p.Asp1423Asn)

Gene: CDH23 (cadherin related 23; plus strand). Cytogenetic location: 10q22.1.
Variant type: single nucleotide variant.
Coding change: c.4267G>A on transcript NM_022124.6 (MANE Select); coding-DNA position 4267, G replaced by A.
Protein change: p.Asp1423Asn; replaces aspartic acid 1423 with asparagine.
Molecular consequence: missense variant.
Genome position (GRCh38, 1-based): chr10:71,738,555, G>A. VCF-style: chr10-71738555-G-A. GRCh37 (hg19) VCF-style: chr10-73498312-G-A.
Other names: short protein forms D1423N.
Identifiers: ClinVar variation 972501 (VCV000972501.8), dbSNP rs779009042, ClinGen allele CA5544996.